The following is an entry in ClinVar:

NM_030665.4(RAI1):c.3321C>T (p.Ser1107=)

Gene: RAI1 (retinoic acid induced 1; plus strand). Cytogenetic location: 17p11.2.
Variant type: single nucleotide variant.
Coding change: c.3321C>T on transcript NM_030665.4 (MANE Select); coding-DNA position 3321, C replaced by T.
Protein change: p.Ser1107=; no amino-acid change (serine 1107 retained).
Molecular consequence: synonymous variant.
Genome position (GRCh38, 1-based): chr17:17,796,269, C>T. VCF-style: chr17-17796269-C-T. GRCh37 (hg19) VCF-style: chr17-17699583-C-T.
Identifiers: ClinVar variation 4977101 (VCV004977101.1).

ClinVar aggregate classification (germline): Likely benign (1 of 4 stars; one submission).

Conditions:
RAI1-related disorder. Also called: RAI1-related condition.

gnomAD v4.1: 4 of 1,594,442 alleles (0.00025%); highest among the groups gnomAD compares: Admixed American, 0.0051%; no homozygotes.

Submission:

PreventionGenetics, part of Exact Sciences
Classification: Likely benign for RAI1-related condition. Last evaluated: 2026-09-17. Review status: criteria provided, single submitter. Criteria: ACMG Guidelines, 2015. Collection method: clinical testing. Allele origin: germline.
Comment: This variant is classified as likely benign based on ACMG/AMP sequence variant interpretation guidelines (Richards et al. 2015 PMID: 25741868, with internal and published modifications).